The following is an entry in ClinVar:

ClinVar aggregate classification (germline): Uncertain significance. Review status: criteria provided, multiple submitters, no conflicts (2 of 4 stars). 7 submissions from 6 submitters: Uncertain significance (6). 1 of the submissions does not count toward it. Last evaluated 2024-11-01.

Conditions:
Asphyxiating thoracic dystrophy 5 (SRTD5). Also called: SHORT-RIB THORACIC DYSPLASIA 5 WITH OR WITHOUT POLYDACTYLY; SHORT-RIB THORACIC DYSPLASIA 5 WITHOUT POLYDACTYLY. Identifiers: Orphanet 474, MedGen C3280598, MONDO:0013717, OMIM 614376.
Nephronophthisis 13 (NPHP13). Identifiers: Orphanet 655, MedGen C3280612, MONDO:0013718, OMIM 614377.
Cranioectodermal dysplasia 4 (CED4). Identifiers: Orphanet 1515, MedGen C3280616, MONDO:0013719, OMIM 614378.
Senior-Loken syndrome 8 (SLSN8). Identifiers: Orphanet 3156, MedGen C4225376, MONDO:0014579, OMIM 616307.
Spermatogenic failure 72 (SPGF72). Identifiers: MedGen C5676980, MONDO:0030809, OMIM 619867.

Allele frequency attached by ClinVar (database versions not stated): ESP Exome Variant Server 0.00017; gnomAD 0.00017 and 0.00019; gnomAD exomes 0.00018 and 0.00031; TOPMed 0.00022; ExAC 0.00030.
gnomAD v4.1: 480 of 1,598,798 alleles (0.03%); highest among the groups gnomAD compares: Non-Finnish European, 0.036%; 1 homozygote.

Submissions (7):

Blueprint Genetics
Classification: Uncertain significance. Last evaluated: 2024-11-01. Review status: criteria provided, single submitter. Criteria: ACMG Guidelines, 2015. Collection method: clinical testing. Allele origin: germline.

Mayo Clinic Laboratories, Mayo Clinic
Classification: Uncertain significance. Last evaluated: 2024-04-01. Review status: criteria provided, single submitter. Criteria: ACMG Guidelines, 2015. Collection method: clinical testing. Allele origin: germline. Observed: 1 variant allele.
Comment: BP4

Fulgent Genetics
Classification: Uncertain significance for Asphyxiating thoracic dystrophy 5; Nephronophthisis 13; Cranioectodermal dysplasia 4; Senior-Loken syndrome 8; Spermatogenic failure 72. Last evaluated: 2023-12-22. Review status: criteria provided, single submitter. Criteria: ACMG Guidelines, 2015. Collection method: clinical testing. Allele origin: germline.

Labcorp Genetics (formerly Invitae), Labcorp
Classification: Uncertain significance for Senior-Loken syndrome 8; Asphyxiating thoracic dystrophy 5. Last evaluated: 2022-10-05. Review status: criteria provided, single submitter. Criteria: Invitae Variant Classification Sherloc (09022015). Collection method: clinical testing. Allele origin: germline.
Comment: This sequence change replaces threonine, which is neutral and polar, with alanine, which is neutral and non-polar, at codon 1006 of the WDR19 protein (p.Thr1006Ala). This variant is present in population databases (rs199678654, gnomAD 0.03%). This variant has not been reported in the literature in individuals affected with WDR19-related conditions. ClinVar contains an entry for this variant (Variation ID: 348745). Advanced modeling of protein sequence and biophysical properties (such as structural, functional, and spatial information, amino acid conservation, physicochemical variation, residue mobility, and thermodynamic stability) performed at Invitae indicates that this missense variant is not expected to disrupt WDR19 protein function. In summary, the available evidence is currently insufficient to determine the role of this variant in disease. Therefore, it has been classified as a Variant of Uncertain Significance.

Illumina Laboratory Services, Illumina
Classification: Uncertain significance for Cranioectodermal dysplasia 4. Last evaluated: 2018-01-13. Review status: criteria provided, single submitter. Criteria: ICSL Variant Classification Criteria 13 December 2019. Collection method: clinical testing. Allele origin: germline.

Illumina Laboratory Services, Illumina
Classification: Uncertain significance for Asphyxiating thoracic dystrophy 5. Last evaluated: 2018-01-13. Review status: criteria provided, single submitter. Criteria: ICSL Variant Classification Criteria 13 December 2019. Collection method: clinical testing. Allele origin: germline.

Department of Pathology and Laboratory Medicine, Sinai Health System
Classification: Uncertain significance. Review status: no assertion criteria provided. Collection method: clinical testing. Allele origin: unknown. Affected: yes. Study: The Canadian Open Genetics Repository (COGR). Not counted in ClinVar's aggregate classification.

NM_025132.4(WDR19):c.3016A>G (p.Thr1006Ala)

Gene: WDR19 (WD repeat domain 19; plus strand). Cytogenetic location: 4p14.
Variant type: single nucleotide variant.
Coding change: c.3016A>G on transcript NM_025132.4 (MANE Select); coding-DNA position 3016, A replaced by G.
Protein change: p.Thr1006Ala; replaces threonine 1006 with alanine.
Molecular consequence: missense variant.
Genome position (GRCh38, 1-based): chr4:39,255,862, A>G. VCF-style: chr4-39255862-A-G. GRCh37 (hg19) VCF-style: chr4-39257482-A-G.
Other names: p.Thr1006Ala; c.2536A>G, p.Thr846Ala (NM_001317924.2); short protein forms T1006A, T846A.
Identifiers: ClinVar variation 348745 (VCV000348745.14), dbSNP rs199678654, ClinGen allele CA2892242.